The following is an entry in ClinVar:

ClinVar aggregate classification (germline): Uncertain significance (1 of 4 stars; one submission).

Conditions:
Multiple endocrine neoplasia, type 2 (MEN2). Identifiers: Orphanet 653, MedGen C4048306, MONDO:0019003. Disease mechanism: gain of function.

Allele frequency attached by ClinVar (database versions not stated): gnomAD exomes below 0.00001.
gnomAD v4.1: 1 of 1,614,152 alleles (0.000062%); highest among the groups gnomAD compares: South Asian, 0.0011%; no homozygotes.

Submission:

Labcorp Genetics (formerly Invitae), Labcorp
Classification: Uncertain significance for Multiple endocrine neoplasia, type 2. Last evaluated: 2020-01-11. Review status: criteria provided, single submitter. Criteria: Invitae Variant Classification Sherloc (09022015). Collection method: clinical testing. Allele origin: germline.
Comment: In summary, this variant has uncertain impact on RET function. The available evidence is currently insufficient to determine its role in disease. Therefore, it has been classified as a Variant of Uncertain Significance. Algorithms developed to predict the effect of missense changes on protein structure and function (SIFT, PolyPhen-2, Align-GVGD) all suggest that this variant is likely to be tolerated, but these predictions have not been confirmed by published functional studies and their clinical significance is uncertain. This variant has not been reported in the literature in individuals with a RET-related disease. This variant is not present in population databases (ExAC no frequency). This sequence change replaces glycine with aspartic acid at codon 1082 of the RET protein (p.Gly1082Asp). The glycine residue is moderately conserved and there is a moderate physicochemical difference between glycine and aspartic acid.

NM_020975.6(RET):c.3245G>A (p.Gly1082Asp)

Gene: RET (ret proto-oncogene; plus strand). Cytogenetic location: 10q11.21.
Variant type: single nucleotide variant.
Coding change: c.3245G>A on transcript NM_020975.6 (MANE Select); coding-DNA position 3245, G replaced by A.
Protein change: p.Gly1082Asp; replaces glycine 1082 with aspartic acid.
Molecular consequence: missense variant.
Genome position (GRCh38, 1-based): chr10:43,128,169, G>A. VCF-style: chr10-43128169-G-A. GRCh37 (hg19) VCF-style: chr10-43623617-G-A.
Other names: c.3245G>A (LRG_518t1); short protein forms G1082D.
Identifiers: ClinVar variation 477371 (VCV000477371.8), dbSNP rs1554820310, ClinGen allele CA376558964.